The following is an entry in ClinVar:

ClinVar aggregate classification (germline): Uncertain significance. Review status: criteria provided, multiple submitters, no conflicts (2 of 4 stars). 2 submissions from 2 submitters: Uncertain significance (2). Last evaluated 2023-10-25.

Conditions:
COG4-congenital disorder of glycosylation. Also called: CONGENITAL DISORDER OF GLYCOSYLATION, TYPE IIj; CDG IIj; COG4-CDG. Identifiers: Orphanet 263501, MedGen C4303552, MONDO:0013281, OMIM 613489.
Inborn genetic diseases. Identifiers: MedGen C0950123, MeSH D030342.

Allele frequency attached by ClinVar (database versions not stated): ExAC 0.00004; TOPMed 0.00007; ESP Exome Variant Server 0.00008; gnomAD exomes 0.00008; gnomAD 0.00009.
gnomAD v4.1: 134 of 1,614,052 alleles (0.0083%); highest among the groups gnomAD compares: Non-Finnish European, 0.011%; no homozygotes.

Submissions (2):

Ambry Genetics
Classification: Uncertain significance for Inborn genetic diseases. Last evaluated: 2023-10-25. Review status: criteria provided, single submitter. Criteria: Ambry Variant Classification Scheme 2023. Collection method: clinical testing. Allele origin: germline.

Labcorp Genetics (formerly Invitae), Labcorp
Classification: Uncertain significance for COG4-congenital disorder of glycosylation. Last evaluated: 2022-07-04. Review status: criteria provided, single submitter. Criteria: Invitae Variant Classification Sherloc (09022015). Collection method: clinical testing. Allele origin: germline.
Comment: This variant has not been reported in the literature in individuals affected with COG4-related conditions. In summary, the available evidence is currently insufficient to determine the role of this variant in disease. Therefore, it has been classified as a Variant of Uncertain Significance. Algorithms developed to predict the effect of missense changes on protein structure and function (SIFT, PolyPhen-2, Align-GVGD) all suggest that this variant is likely to be tolerated. This variant is present in population databases (rs148014121, gnomAD 0.01%). This sequence change replaces glutamic acid, which is acidic and polar, with glycine, which is neutral and non-polar, at codon 241 of the COG4 protein (p.Glu241Gly).

NM_015386.3(COG4):c.722A>G (p.Glu241Gly)

Gene: COG4 (component of oligomeric golgi complex 4; minus strand). Cytogenetic location: 16q22.1.
Variant type: single nucleotide variant.
Coding change: c.722A>G on transcript NM_015386.3 (MANE Select); coding-DNA position 722, A replaced by G.
Protein change: p.Glu241Gly; replaces glutamic acid 241 with glycine.
Molecular consequence: missense variant. On other transcripts: non-coding transcript variant (1).
Genome position (GRCh38, 1-based): chr16:70,512,255, T>C on the plus strand (A>G on the coding strand, the complement: COG4 is on the minus strand). VCF-style: chr16-70512255-T-C. GRCh37 (hg19) VCF-style: chr16-70546158-T-C.
Other names: c.710A>G, p.Glu237Gly (NM_001195139.2); c.296A>G, p.Glu99Gly (NM_001365426.1); c.722A>G (NM_015386.2); short protein forms E99G, E241G, E237G.
Identifiers: ClinVar variation 2202767 (VCV002202767.5), dbSNP rs148014121, ClinGen allele CA8144612.